The following is an entry in ClinVar:

NM_001367624.2(ZNF469):c.5746A>C (p.Lys1916Gln)

Gene: ZNF469 (zinc finger protein 469; plus strand). Cytogenetic location: 16q24.2.
Variant type: single nucleotide variant.
Coding change: c.5746A>C on transcript NM_001367624.2 (MANE Select); coding-DNA position 5746, A replaced by C.
Protein change: p.Lys1916Gln; replaces lysine 1916 with glutamine.
Molecular consequence: missense variant.
Genome position (GRCh38, 1-based): chr16:88,433,216, A>C. VCF-style: chr16-88433216-A-C. GRCh37 (hg19) VCF-style: chr16-88499624-A-C.
Other names: NM_001127464.1:c.5662A>C; short protein forms K1916Q.
Identifiers: ClinVar variation 3258297 (VCV003258297.2).

ClinVar aggregate classification (germline): Uncertain significance. Review status: criteria provided, multiple submitters, no conflicts (2 of 4 stars). 2 submissions from 2 submitters: Uncertain significance (2). Last evaluated 2025-12-02.

Conditions:
Cardiovascular phenotype. Identifiers: MedGen CN230736.

gnomAD v4.1: 15 of 1,550,238 alleles (0.00097%); highest among the groups gnomAD compares: South Asian, 0.015%; no homozygotes.

Submissions (2):

Women's Health and Genetics/Laboratory Corporation of America, LabCorp
Classification: Uncertain significance. Last evaluated: 2025-12-02. Review status: criteria provided, single submitter. Criteria: LabCorp Variant Classification Summary - May 2015. Collection method: clinical testing. Allele origin: germline.
Comment: Variant summary: ZNF469 c.5746A>C (p.Lys1916Gln) results in a conservative amino acid change in the encoded protein sequence. Algorithms developed to predict the effect of missense changes on protein structure and function are either unavailable or do not agree on the potential impact of this missense change. The variant allele was found at a frequency of 2e-05 in 153152 control chromosomes. The available data on variant occurrences in the general population are insufficient to allow any conclusion about variant significance. To our knowledge, no occurrence of c.5746A>C in individuals affected with ZNF469-related conditions and no experimental evidence demonstrating its impact on protein function have been reported. ClinVar contains an entry for this variant (Variation ID: 3258297). Based on the evidence outlined above, the variant was classified as uncertain significance.

Ambry Genetics
Classification: Uncertain significance for Cardiovascular phenotype. Last evaluated: 2024-03-15. Review status: criteria provided, single submitter. Criteria: Ambry Variant Classification Scheme 2023. Collection method: clinical testing. Allele origin: germline.